The following is an entry in ClinVar:

NM_138459.5(NUS1):c.449A>G (p.Asp150Gly)

Gene: NUS1 (NUS1 dehydrodolichyl diphosphate synthase subunit; plus strand). Cytogenetic location: 6q22.1.
Variant type: single nucleotide variant.
Coding change: c.449A>G on transcript NM_138459.5 (MANE Select); coding-DNA position 449, A replaced by G.
Protein change: p.Asp150Gly; replaces aspartic acid 150 with glycine.
Molecular consequence: missense variant.
Genome position (GRCh38, 1-based): chr6:117,693,075, A>G. VCF-style: chr6-117693075-A-G. GRCh37 (hg19) VCF-style: chr6-118014238-A-G.
Other names: short protein forms D150G.
Identifiers: ClinVar variation 1306441 (VCV001306441.2), dbSNP rs2114686713, ClinGen allele CA365536676.

ClinVar aggregate classification (germline): Uncertain significance (1 of 4 stars; one submission).

Allele frequency attached by ClinVar (database versions not stated): gnomAD exomes below 0.00001.
gnomAD v4.1: 2 of 1,608,022 alleles (0.00012%); highest among the groups gnomAD compares: East Asian, 0.0022%; no homozygotes.

Submission:

GeneDx
Classification: Uncertain significance. Last evaluated: 2021-05-28. Review status: criteria provided, single submitter. Criteria: GeneDx Variant Classification Process June 2021. Collection method: clinical testing. Allele origin: germline. Affected: yes.
Comment: Not observed at significant frequency in large population cohorts (Lek et al., 2016); In silico analysis supports that this missense variant has a deleterious effect on protein structure/function; Has not been previously published as pathogenic or benign to our knowledge; This variant is associated with the following publications: (PMID: 27535533)